The following is an entry in ClinVar:

ClinVar aggregate classification (germline): Uncertain significance. Review status: criteria provided, multiple submitters, no conflicts (2 of 4 stars). 2 submissions from 2 submitters: Uncertain significance (2). Last evaluated 2022-03-11.

Conditions:
Congenital stationary night blindness 1E. Also called: Night blindness, congenital stationary (complete), 1E, autosomal recessive. Identifiers: Orphanet 215, MedGen C3281215, MONDO:0013807, OMIM 614565.

Submissions (2):

Labcorp Genetics (formerly Invitae), Labcorp
Classification: Uncertain significance. Last evaluated: 2022-03-11. Review status: criteria provided, single submitter. Criteria: Invitae Variant Classification Sherloc (09022015). Collection method: clinical testing. Allele origin: germline.
Comment: In summary, the available evidence is currently insufficient to determine the role of this variant in disease. Therefore, it has been classified as a Variant of Uncertain Significance. Algorithms developed to predict the effect of missense changes on protein structure and function output the following: SIFT: "Tolerated"; PolyPhen-2: "Benign"; Align-GVGD: "Class C0". The glutamic acid amino acid residue is found in multiple mammalian species, which suggests that this missense change does not adversely affect protein function. ClinVar contains an entry for this variant (Variation ID: 322973). This variant has not been reported in the literature in individuals affected with GPR179-related conditions. This variant is not present in population databases (gnomAD no frequency). This sequence change replaces aspartic acid, which is acidic and polar, with glutamic acid, which is acidic and polar, at codon 2004 of the GPR179 protein (p.Asp2004Glu).

Illumina Laboratory Services, Illumina
Classification: Uncertain significance for Congenital stationary night blindness 1E. Last evaluated: 2018-01-13. Review status: criteria provided, single submitter. Criteria: ICSL Variant Classification Criteria 13 December 2019. Collection method: clinical testing. Allele origin: germline.

NM_001004334.4(GPR179):c.6012T>A (p.Asp2004Glu)

Gene: GPR179 (G protein-coupled receptor 179; minus strand). Cytogenetic location: 17q12.
Variant type: single nucleotide variant.
Coding change: c.6012T>A on transcript NM_001004334.4 (MANE Select); coding-DNA position 6012, T replaced by A.
Protein change: p.Asp2004Glu; replaces aspartic acid 2004 with glutamic acid.
Molecular consequence: missense variant.
Genome position (GRCh38, 1-based): chr17:38,327,557, A>T on the plus strand (T>A on the coding strand, the complement: GPR179 is on the minus strand). VCF-style: chr17-38327557-A-T. GRCh37 (hg19) VCF-style: chr17-36483440-A-T.
Other names: short protein forms D2004E.
Identifiers: ClinVar variation 322973 (VCV000322973.9), dbSNP rs886052895, ClinGen allele CA10649152.